The following is an entry in ClinVar:

NM_198253.3(TERT):c.1905C>T (p.Asn635=)

Gene: TERT (telomerase reverse transcriptase; minus strand). Cytogenetic location: 5p15.33.
Variant type: single nucleotide variant.
Coding change: c.1905C>T on transcript NM_198253.3 (MANE Select); coding-DNA position 1905, C replaced by T.
Protein change: p.Asn635=; no amino-acid change (asparagine 635 retained).
Molecular consequence: synonymous variant. On other transcripts: non-coding transcript variant (2).
Genome position (GRCh38, 1-based): chr5:1,280,203, G>A on the plus strand (C>T on the coding strand, the complement: TERT is on the minus strand). VCF-style: chr5-1280203-G-A. GRCh37 (hg19) VCF-style: chr5-1280318-G-A.
Other names: c.1905C>T, p.Asn635= (NM_001193376.3); c.1905C>T (NM_198253.2).
Identifiers: ClinVar variation 1158512 (VCV001158512.10), dbSNP rs891246934, ClinGen allele CA112950304.

ClinVar aggregate classification (germline): Conflicting classifications of pathogenicity. Review status: criteria provided, conflicting classifications (1 of 4 stars). 2 submissions from 2 submitters: Uncertain significance (1); Likely benign (1). Last evaluated 2025-03-04.

Conditions:
Dyskeratosis congenita, autosomal dominant 2. Identifiers: MedGen C3151443, MONDO:0013521, OMIM 613989.
Idiopathic Pulmonary Fibrosis. Also called: Idiopathic fibrosing alveolitis, chronic form; idiopathic fibrosing alveolitis. Identifiers: Orphanet 2032, MedGen C1800706, MeSH D054990, MONDO:0800504.
Dyskeratosis congenita. Identifiers: Orphanet 1775, MedGen C0265965, MONDO:0015780.

Allele frequency attached by ClinVar (database versions not stated): gnomAD exomes 0.00001; TOPMed 0.00002.
gnomAD v4.1: 9 of 1,613,960 alleles (0.00056%); highest among the groups gnomAD compares: Admixed American, 0.0017%; no homozygotes.

Submissions (2):

Ambry Genetics
Classification: Uncertain significance for Dyskeratosis congenita. Last evaluated: 2025-03-04. Review status: criteria provided, single submitter. Criteria: Ambry Variant Classification Scheme 2023. Collection method: clinical testing. Allele origin: germline.
Comment: The c.1905C>T variant (also known as p.N635N), located in coding exon 4 of the TERT gene, results from a C to T substitution at nucleotide position 1905. This nucleotide substitution does not change the amino acid at codon 635. This nucleotide position is not well conserved in available vertebrate species. In silico splice site analysis for this alteration is inconclusive. Based on the available evidence, the clinical significance of this variant remains unclear.

Labcorp Genetics (formerly Invitae), Labcorp
Classification: Likely benign for Dyskeratosis congenita, autosomal dominant 2; Idiopathic Pulmonary Fibrosis. Last evaluated: 2024-10-23. Review status: criteria provided, single submitter. Criteria: Invitae Variant Classification Sherloc (09022015). Collection method: clinical testing. Allele origin: germline.